The following is an entry in ClinVar:

NM_001252024.2(TRPM1):c.4328C>T (p.Thr1443Ile)

Gene: TRPM1 (transient receptor potential cation channel subfamily M member 1; minus strand). Cytogenetic location: 15q13.3.
Variant type: single nucleotide variant.
Coding change: c.4328C>T on transcript NM_001252024.2 (MANE Select); coding-DNA position 4328, C replaced by T.
Protein change: p.Thr1443Ile; replaces threonine 1443 with isoleucine.
Molecular consequence: missense variant.
Genome position (GRCh38, 1-based): chr15:31,002,372, G>A on the plus strand (C>T on the coding strand, the complement: TRPM1 is on the minus strand). VCF-style: chr15-31002372-G-A. GRCh37 (hg19) VCF-style: chr15-31294575-G-A.
Other names: c.4379C>T, p.Thr1460Ile (NM_001252020.2); c.4262C>T, p.Thr1421Ile (NM_002420.6); short protein forms T1421I, T1443I, T1460I.
Identifiers: ClinVar variation 1385933 (VCV001385933.6), dbSNP rs2141099438, ClinGen allele CA391525613.
Genomic context (GRCh38, chr15:31,002,372, plus strand): 5'-ACGAAGCTTCTGGACTTCATTGTTTTACAAGCATTGATCGTTTCATCGGGGAAATAGCGT[G>A]TAATTTTGGTTTCTTCCAGGGGATAGGAAATAGTGCCTTCTATATTTGTCGTTTCCACTG-3'
Protein context (NP_001238953.1, residues 1433-1453): ISYPLEETKI[Thr1443Ile]RYFPDETINA

ClinVar aggregate classification (germline): Uncertain significance (1 of 4 stars; one submission).

Allele frequency attached by ClinVar (database versions not stated): gnomAD exomes below 0.00001.
gnomAD v4.1: 1 of 1,614,218 alleles (0.000062%); highest among the groups gnomAD compares: Non-Finnish European, 0.000085%; no homozygotes.

Submission:

Labcorp Genetics (formerly Invitae), Labcorp
Classification: Uncertain significance. Last evaluated: 2021-10-10. Review status: criteria provided, single submitter. Criteria: Invitae Variant Classification Sherloc (09022015). Collection method: clinical testing. Allele origin: germline.
Comment: This variant is not present in population databases (ExAC no frequency). This sequence change replaces threonine with isoleucine at codon 1421 of the TRPM1 protein (p.Thr1421Ile). The threonine residue is weakly conserved and there is a moderate physicochemical difference between threonine and isoleucine. This variant has not been reported in the literature in individuals affected with TRPM1-related conditions. Algorithms developed to predict the effect of missense changes on protein structure and function (SIFT, PolyPhen-2, Align-GVGD) all suggest that this variant is likely to be tolerated. In summary, the available evidence is currently insufficient to determine the role of this variant in disease. Therefore, it has been classified as a Variant of Uncertain Significance.